The following is an entry in ClinVar:

NM_206933.4(USH2A):c.13621C>T (p.Gln4541Ter)

Gene: USH2A (usherin; minus strand). Cytogenetic location: 1q41.
Variant type: single nucleotide variant.
Coding change: c.13621C>T on transcript NM_206933.4 (MANE Select); coding-DNA position 13621, C replaced by T.
Protein change: p.Gln4541Ter; replaces glutamine 4541 with a stop codon.
Molecular consequence: nonsense.
Genome position (GRCh38, 1-based): chr1:215,674,290, G>A on the plus strand (C>T on the coding strand, the complement: USH2A is on the minus strand). VCF-style: chr1-215674290-G-A. GRCh37 (hg19) VCF-style: chr1-215847632-G-A.
Other names: short protein forms Q4541*.
Identifiers: ClinVar variation 555195 (VCV000555195.23), dbSNP rs765476745, ClinGen allele CA37412255.

ClinVar aggregate classification (germline): Pathogenic. Review status: criteria provided, multiple submitters, no conflicts (2 of 4 stars). 11 submissions from 9 submitters: Pathogenic (10). 1 of the submissions does not count toward it. Last evaluated 2025-09-03.

Conditions:
Usher syndrome type 2A. Also called: RETINAL DISEASE IN USHER SYNDROME TYPE IIA, MODIFIER OF; USHER SYNDROME, TYPE IIA. Identifiers: Orphanet 231178, Orphanet 886, MedGen C1848634, MONDO:0010169, OMIM 276901.
Retinitis pigmentosa 39 (RP39). Identifiers: Orphanet 791, MedGen C3151138, MONDO:0013436, OMIM 613809.
USH2A-related disorder. Also called: USH2A-related disorders; USH2A-related condition. Identifiers: MedGen CN239332.

Allele frequency attached by ClinVar (database versions not stated): gnomAD exomes 0.00001; gnomAD 0.00002; TOPMed below 0.00001.
gnomAD v4.1: 16 of 1,613,996 alleles (0.00099%); highest among the groups gnomAD compares: African/African-American, 0.0067%; no homozygotes.

Submissions (11):

3billion
Classification: Pathogenic for Usher syndrome type 2A. Last evaluated: 2025-09-03. Review status: criteria provided, single submitter. Criteria: ACMG Guidelines, 2015. Collection method: clinical testing. Allele origin: germline. Affected: yes.
Comment: The variant is observed at an extremely low frequency in the gnomAD v4.1.0 dataset (total allele frequency: <0.001%). Predicted Consequence/Location: Stop-gained (nonsense): predicted to result in a loss or disruption of normal protein function through nonsense-mediated decay (NMD) or protein truncation. Multiple pathogenic variants are reported downstream of the variant. The variant has been reported at least twice as pathogenic with clinical assertions and evidence for the classification (ClinVar ID: VCV000555195 /PMID: 22135276). Therefore, this variant is classified as Pathogenic according to the recommendation of ACMG/AMP guideline.

Labcorp Genetics (formerly Invitae), Labcorp
Classification: Pathogenic. Last evaluated: 2025-08-25. Review status: criteria provided, single submitter. Criteria: Invitae Variant Classification Sherloc (09022015). Collection method: clinical testing. Allele origin: germline.
Comment: This sequence change creates a premature translational stop signal (p.Gln4541*) in the USH2A gene. It is expected to result in an absent or disrupted protein product. Loss-of-function variants in USH2A are known to be pathogenic (PMID: 10729113, 10909849, 20507924, 25649381). This variant is not present in population databases (gnomAD no frequency). This premature translational stop signal has been observed in individuals with USH2A-related conditions (PMID: 22135276, 28559085). ClinVar contains an entry for this variant (Variation ID: 555195). For these reasons, this variant has been classified as Pathogenic.

Natera, Inc.
Classification: Pathogenic for Usher syndrome type 2A. Last evaluated: 2025-04-04. Review status: criteria provided, single submitter. Criteria: Natera Variant Classification Schema (03/2026). Collection method: clinical testing. Allele origin: germline.
Comment: The c.13621C>T variant in USH2A is a nonsense variant predicted to introduce a stop codon at amino acid 4541. This variant is expected to result in nonsense mediated decay, truncation, or a dysfunctional protein product. This variant is rare in the general population with a frequency below the threshold expected for the associated phenotype(s). This variant has been observed in one or more individuals affected with the associated recessive disease, as either homozygous or compound heterozygous with a second variant (PMID: 28512305). Given the available evidence, this variant is classified as Pathogenic.

Baylor Genetics
Classification: Pathogenic for Retinitis pigmentosa 39. Last evaluated: 2023-11-22. Review status: criteria provided, single submitter. Criteria: ACMG Guidelines, 2015. Collection method: clinical testing. Allele origin: unknown.

Genome-Nilou Lab
Classification: Pathogenic for Retinitis pigmentosa 39. Last evaluated: 2023-11-04. Review status: criteria provided, single submitter. Criteria: ACMG Guidelines, 2015. Collection method: clinical testing. Allele origin: germline. Affected: no.

Genome-Nilou Lab
Classification: Pathogenic for Usher syndrome type 2A. Last evaluated: 2023-11-04. Review status: criteria provided, single submitter. Criteria: ACMG Guidelines, 2015. Collection method: clinical testing. Allele origin: germline. Affected: no.

Blueprint Genetics
Classification: Pathogenic for USH2A-related disorders. Last evaluated: 2022-11-15. Review status: criteria provided, single submitter. Criteria: ACMG Guidelines, 2015. Collection method: clinical testing. Allele origin: germline. Affected: yes. Observed: 1 variant allele.

Revvity Omics, Revvity
Classification: Pathogenic. Last evaluated: 2021-07-05. Review status: criteria provided, single submitter. Criteria: ACMG Guidelines, 2015. Collection method: clinical testing. Allele origin: germline.

Genetics and Molecular Pathology, SA Pathology
Classification: Pathogenic for Usher syndrome type 2A. Last evaluated: 2020-10-07. Review status: criteria provided, single submitter. Criteria: ACMG Guidelines, 2015. Collection method: clinical testing. Allele origin: germline. Affected: yes.

Baylor Genetics
Classification: Pathogenic for Usher syndrome type 2A. Review status: criteria provided, single submitter. Criteria: ACMG Guidelines, 2015. Collection method: clinical testing. Allele origin: germline.

Counsyl
Classification: Pathogenic for Usher syndrome type 2A; Retinitis pigmentosa 39. Last evaluated: 2017-11-29. Review status: no assertion criteria provided. Collection method: clinical testing. Allele origin: unknown. Not counted in ClinVar's aggregate classification.

Literature cited by the submitters: PubMed 22135276 (cited by 3 submitters); PubMed 10729113 (cited by Labcorp Genetics (formerly Invitae), Labcorp); PubMed 10909849 (cited by Labcorp Genetics (formerly Invitae), Labcorp); PubMed 20507924 (cited by Labcorp Genetics (formerly Invitae), Labcorp); PubMed 25649381 (cited by Labcorp Genetics (formerly Invitae), Labcorp); PubMed 28559085 (cited by Labcorp Genetics (formerly Invitae), Labcorp); PubMed 28512305 (cited by Natera, Inc. and Counsyl); PubMed 27208204 (cited by Counsyl).